The following is an entry in ClinVar:

ClinVar aggregate classification (germline): Uncertain significance (1 of 4 stars; one submission).

Allele frequency attached by ClinVar (database versions not stated): TOPMed below 0.00001.
gnomAD v4.1: 5 of 1,613,846 alleles (0.00031%); highest among the groups gnomAD compares: African/African-American, 0.0027%; no homozygotes.

Submission:

Labcorp Genetics (formerly Invitae), Labcorp
Classification: Uncertain significance. Last evaluated: 2023-01-06. Review status: criteria provided, single submitter. Criteria: Invitae Variant Classification Sherloc (09022015). Collection method: clinical testing. Allele origin: germline.
Comment: This sequence change replaces arginine, which is basic and polar, with tryptophan, which is neutral and slightly polar, at codon 99 of the MICAL1 protein (p.Arg99Trp). This variant is present in population databases (no rsID available, gnomAD no frequency). This variant has not been reported in the literature in individuals affected with MICAL1-related conditions. Algorithms developed to predict the effect of missense changes on protein structure and function are either unavailable or do not agree on the potential impact of this missense change (SIFT: "Deleterious"; PolyPhen-2: "Possibly Damaging"; Align-GVGD: "Class C0"). In summary, the available evidence is currently insufficient to determine the role of this variant in disease. Therefore, it has been classified as a Variant of Uncertain Significance.

NM_022765.4(MICAL1):c.238C>T (p.Arg80Trp)

Gene: MICAL1 (microtubule associated monooxygenase, calponin and LIM domain containing 1; minus strand). Cytogenetic location: 6q21.
Variant type: single nucleotide variant.
Coding change: c.238C>T on transcript NM_022765.4 (MANE Select); coding-DNA position 238, C replaced by T.
Protein change: p.Arg80Trp; replaces arginine 80 with tryptophan.
Molecular consequence: missense variant.
Genome position (GRCh38, 1-based): chr6:109,453,959, G>A on the plus strand (C>T on the coding strand, the complement: MICAL1 is on the minus strand). VCF-style: chr6-109453959-G-A. GRCh37 (hg19) VCF-style: chr6-109775162-G-A.
Other names: c.238C>T, p.Arg80Trp (NM_001159291.2); c.295C>T, p.Arg99Trp (NM_001286613.2); short protein forms R80W, R99W.
Identifiers: ClinVar variation 3001281 (VCV003001281.3), dbSNP rs1318850220, ClinGen allele CA365233701.